The following is an entry in ClinVar:

ClinVar aggregate classification (germline): Uncertain significance (1 of 4 stars; one submission).

Submission:

GeneDx
Classification: Uncertain significance. Last evaluated: 2024-09-15. Review status: criteria provided, single submitter. Criteria: GeneDx Variant Classification Process June 2021. Collection method: clinical testing. Allele origin: germline. Affected: yes.
Comment: Not observed at significant frequency in large population cohorts (gnomAD); In silico analysis indicates that this missense variant does not alter protein structure/function; Has not been previously published as pathogenic or benign to our knowledge

NM_000069.3(CACNA1S):c.5132T>C (p.Leu1711Pro)

Gene: CACNA1S (calcium voltage-gated channel subunit alpha1 S; minus strand). Cytogenetic location: 1q32.1.
Variant type: single nucleotide variant.
Coding change: c.5132T>C on transcript NM_000069.3 (MANE Select); coding-DNA position 5132, T replaced by C.
Protein change: p.Leu1711Pro; replaces leucine 1711 with proline.
Molecular consequence: missense variant.
Genome position (GRCh38, 1-based): chr1:201,041,506, A>G on the plus strand (T>C on the coding strand, the complement: CACNA1S is on the minus strand). VCF-style: chr1-201041506-A-G. GRCh37 (hg19) VCF-style: chr1-201010634-A-G.
Other names: short protein forms L1711P.
Identifiers: ClinVar variation 3770111 (VCV003770111.1).
Genomic context (GRCh38, chr1:201,041,506, plus strand): 5'-CTTCCCGGACTCCTCTGGGAGAAGACTCAAGCTTCTTAGATGCACAGAAGGGACTGACCC[A>G]GGACCCTGCAGGGTTGGCCAAGGGCTCGTCCTCTGGTAGCAGGCGTCTCTGTCTCTTCTG-3'
Protein context (NP_000060.2, residues 1701-1721): GRALGQPCRV[Leu1711Pro]GPHSKPCVEM